The following is an entry in ClinVar:

ClinVar aggregate classification (germline): Uncertain significance (1 of 4 stars; one submission).

Allele frequency attached by ClinVar (database versions not stated): gnomAD exomes below 0.00001.
gnomAD v4.1: 1 of 1,612,806 alleles (0.000062%); highest among the groups gnomAD compares: South Asian, 0.0011%; no homozygotes.

Submission:

Labcorp Genetics (formerly Invitae), Labcorp
Classification: Uncertain significance. Last evaluated: 2022-10-03. Review status: criteria provided, single submitter. Criteria: Invitae Variant Classification Sherloc (09022015). Collection method: clinical testing. Allele origin: germline.
Comment: In summary, the available evidence is currently insufficient to determine the role of this variant in disease. Therefore, it has been classified as a Variant of Uncertain Significance. Advanced modeling of protein sequence and biophysical properties (such as structural, functional, and spatial information, amino acid conservation, physicochemical variation, residue mobility, and thermodynamic stability) performed at Invitae indicates that this missense variant is not expected to disrupt P3H2 protein function. This variant has not been reported in the literature in individuals affected with P3H2-related conditions. This variant is present in population databases (no rsID available, gnomAD 0.003%). This sequence change replaces glutamic acid, which is acidic and polar, with lysine, which is basic and polar, at codon 387 of the P3H2 protein (p.Glu387Lys).

NM_018192.4(P3H2):c.1159G>A (p.Glu387Lys)

Gene: P3H2 (prolyl 3-hydroxylase 2; minus strand). Cytogenetic location: 3q28.
Variant type: single nucleotide variant.
Coding change: c.1159G>A on transcript NM_018192.4 (MANE Select); coding-DNA position 1159, G replaced by A.
Protein change: p.Glu387Lys; replaces glutamic acid 387 with lysine.
Molecular consequence: missense variant.
Genome position (GRCh38, 1-based): chr3:189,986,817, C>T on the plus strand (G>A on the coding strand, the complement: P3H2 is on the minus strand). VCF-style: chr3-189986817-C-T. GRCh37 (hg19) VCF-style: chr3-189704606-C-T.
Other names: c.616G>A, p.Glu206Lys (NM_001134418.2); short protein forms E206K, E387K.
Identifiers: ClinVar variation 1905156 (VCV001905156.5), dbSNP rs1365566297, ClinGen allele CA355757103.
Genomic context (GRCh38, chr3:189,986,817, plus strand): 5'-ATTTTAATAAACGTTTCCTCTTTCCTCTTACCGGTTCAGTGTATGAAAACCCCAGACCTT[C>T]TGCAGCTGATTTTATCAGCTCAGACTCCAGCTTATGACGTTTCACAAACATTGTTAAATC-3'
Protein context (NP_060662.2, residues 377-397): LESELIKSAA[Glu387Lys]GLGFSYTEPN